The following is an entry in ClinVar:

ClinVar aggregate classification (germline): Uncertain significance. Review status: criteria provided, multiple submitters, no conflicts (2 of 4 stars). 2 submissions from 2 submitters: Uncertain significance (2). Last evaluated 2021-01-06.

Conditions:
3-methylcrotonyl-CoA carboxylase 1 deficiency (MCC1D). Also called: MCC 1 deficiency; 3 Alpha methylcrotonylglycinuria 1; MCCD TYPE 1; METHYLCROTONYLGLYCINURIA TYPE I. Identifiers: Orphanet 6, MedGen CN028786, MONDO:0008861, OMIM 210200.

Submissions (2):

Labcorp Genetics (formerly Invitae), Labcorp
Classification: Uncertain significance for 3-methylcrotonyl-CoA carboxylase 1 deficiency. Last evaluated: 2021-01-06. Review status: criteria provided, single submitter. Criteria: Invitae Variant Classification Sherloc (09022015). Collection method: clinical testing. Allele origin: germline.
Comment: In summary, the available evidence is currently insufficient to determine the role of this variant in disease. Therefore, it has been classified as a Variant of Uncertain Significance. Advanced modeling of protein sequence and biophysical properties (such as structural, functional, and spatial information, amino acid conservation, physicochemical variation, residue mobility, and thermodynamic stability) performed at Invitae indicates that this missense variant is expected to disrupt MCCC1 protein function. This sequence change replaces glycine with valine at codon 130 of the MCCC1 protein (p.Gly130Val). The glycine residue is highly conserved and there is a moderate physicochemical difference between glycine and valine. This variant is not present in population databases (ExAC no frequency). This variant has not been reported in the literature in individuals with MCCC1-related conditions.

Blueprint Genetics
Classification: Uncertain significance. Last evaluated: 2019-02-15. Review status: criteria provided, single submitter. Criteria: ACMG Guidelines, 2015. Collection method: clinical testing. Allele origin: germline.

NM_020166.5(MCCC1):c.389G>T (p.Gly130Val)

Gene: MCCC1 (methylcrotonyl-CoA carboxylase subunit 1; minus strand). Cytogenetic location: 3q27.1.
Variant type: single nucleotide variant.
Coding change: c.389G>T on transcript NM_020166.5 (MANE Select); coding-DNA position 389, G replaced by T.
Protein change: p.Gly130Val; replaces glycine 130 with valine.
Molecular consequence: missense variant. On other transcripts: non-coding transcript variant (2), intron variant (1).
Genome position (GRCh38, 1-based): chr3:183,072,468, C>A on the plus strand (G>T on the coding strand, the complement: MCCC1 is on the minus strand). VCF-style: chr3-183072468-C-A. GRCh37 (hg19) VCF-style: chr3-182790256-C-A.
Other names: c.62G>T, p.Gly21Val (NM_001363880.1); c.141-1111G>T (NM_001293273.2); short protein forms G130V, G21V.
Identifiers: ClinVar variation 1402224 (VCV001402224.9), dbSNP rs2108528600, ClinGen allele CA355331397.
Genomic context (GRCh38, chr3:183,072,468, plus strand): 5'-ATAAAAATAATTCCTTCTTGCTTACAAAGTTCAGCAAATTCCATGTTTTCTGAGAGAAAA[C>A]CGCATCCTGGATGGATAGCCTAGAAATGAGAAATAAAATAAAAAATTTACTCATCAGTGC-3'
Protein context (NP_064551.3, residues 120-140): SAAQAIHPGC[Gly130Val]FLSENMEFAE